The following is an entry in ClinVar:

ClinVar aggregate classification (germline): Likely benign. Review status: criteria provided, multiple submitters, no conflicts (2 of 4 stars). 4 submissions from 4 submitters: Likely benign (3). 1 of the submissions does not count toward it. Last evaluated 2025-10-29.

Conditions:
PLD1-related disorder. Also called: PLD1-related condition.

Allele frequency attached by ClinVar (database versions not stated): gnomAD exomes 0.00014 and 0.00044; ExAC 0.00052; 1000 Genomes Project 0.00120; TOPMed 0.00138; gnomAD 0.00141 and 0.00152; ESP Exome Variant Server 0.00177; 1000 Genomes Project 30x 0.00187.
gnomAD v4.1: 422 of 1,609,474 alleles (0.026%); highest among the groups gnomAD compares: African/African-American, 0.49%; no homozygotes.

Submissions (4):

Labcorp Genetics (formerly Invitae), Labcorp
Classification: Likely benign. Last evaluated: 2025-10-29. Review status: criteria provided, single submitter. Criteria: Invitae Variant Classification Sherloc (09022015). Collection method: clinical testing. Allele origin: germline.

Blueprint Genetics
Classification: Likely benign. Last evaluated: 2024-11-06. Review status: criteria provided, single submitter. Criteria: ACMG Guidelines, 2015. Collection method: clinical testing. Allele origin: germline.

Breakthrough Genomics
Classification: Likely benign. Review status: criteria provided, single submitter. Criteria: ACMG Guidelines, 2015. Collection method: not provided. Allele origin: germline. Inheritance: Autosomal recessive inheritance. Affected: yes.

PreventionGenetics, part of Exact Sciences
Classification: Likely benign for PLD1-related condition. Last evaluated: 2019-06-07. Review status: no assertion criteria provided. Collection method: clinical testing. Allele origin: germline. Not counted in ClinVar's aggregate classification.
Comment: This variant is classified as likely benign based on ACMG/AMP sequence variant interpretation guidelines (Richards et al. 2015 PMID: 25741868, with internal and published modifications).

NM_002662.5(PLD1):c.1220G>A (p.Arg407Gln)

Gene: PLD1 (phospholipase D1; minus strand). Cytogenetic location: 3q26.31.
Variant type: single nucleotide variant.
Coding change: c.1220G>A on transcript NM_002662.5 (MANE Select); coding-DNA position 1220, G replaced by A.
Protein change: p.Arg407Gln; replaces arginine 407 with glutamine.
Molecular consequence: missense variant.
Genome position (GRCh38, 1-based): chr3:171,699,752, C>T on the plus strand (G>A on the coding strand, the complement: PLD1 is on the minus strand). VCF-style: chr3-171699752-C-T. GRCh37 (hg19) VCF-style: chr3-171417542-C-T.
Other names: c.1220G>A, p.Arg407Gln (NM_001130081.3); short protein forms R407Q.
Identifiers: ClinVar variation 711375 (VCV000711375.14), dbSNP rs141850987, ClinGen allele CA2704699.